The following is an entry in ClinVar:

NM_002025.4(AFF2):c.2505C>T (p.Pro835=)

Gene: AFF2 (ALF transcription elongation factor 2; plus strand). Cytogenetic location: Xq28.
Variant type: single nucleotide variant.
Coding change: c.2505C>T on transcript NM_002025.4 (MANE Select); coding-DNA position 2505, C replaced by T.
Protein change: p.Pro835=; no amino-acid change (proline 835 retained).
Molecular consequence: synonymous variant.
Genome position (GRCh38, 1-based): chrX:148,956,550, C>T. VCF-style: chrX-148956550-C-T. GRCh37 (hg19) VCF-style: chrX-148038080-C-T.
Other names: c.2406C>T, p.Pro802= (NM_001169122.2); c.2475C>T, p.Pro825= (NM_001169123.2); c.2400C>T, p.Pro800= (NM_001169124.2); c.2388C>T, p.Pro796= (NM_001169125.2); c.1428C>T, p.Pro476= (NM_001170628.1).
Identifiers: ClinVar variation 3772508 (VCV003772508.13).
Genomic context (GRCh38, chrX:148,956,550, plus strand): 5'-CCACAGCTCACTCCATGCAGCACCTGCCAAGCCAGACCACAAGGAGACTGCCACAAAACC[C>T]AAGCGTCAGACAGCTGTCACAGCTGTGGAGAAACCAGCCCCTAAGGGCAAACGTAAGCAC-3'
Protein context (NP_002016.2, residues 825-845): KPDHKETATK[Pro835=]KRQTAVTAVE

ClinVar aggregate classification (germline): Likely benign (1 of 4 stars; one submission).

Submission:

CeGaT Center for Human Genetics Tuebingen
Classification: Likely benign. Last evaluated: 2025-02-01. Review status: criteria provided, single submitter. Criteria: CeGaT Center For Human Genetics Tuebingen Variant Classification Criteria Version 2. Collection method: clinical testing. Allele origin: germline. Affected: yes. Observed: 1 variant allele.
Comment: AFF2: PM2:Supporting, BP4, BP7